The following is an entry in ClinVar:

ClinVar aggregate classification (germline): Conflicting classifications of pathogenicity. Review status: criteria provided, conflicting classifications (1 of 4 stars). 2 submissions from 2 submitters: Uncertain significance (1); Likely benign (1). Last evaluated 2016-05-09.

Conditions:
Hereditary breast ovarian cancer syndrome. Also called: Hereditary breast and ovarian cancer; Hereditary breast and/or ovarian cancer syndrome; BRCA1- and BRCA2-Associated Hereditary Breast and Ovarian Cancer; Hereditary breast and ovarian cancer syndrome; Hereditary breast and ovarian cancer syndrome (HBOC); Breast and ovarian cancer. Identifiers: Orphanet 145, MedGen C0677776, MeSH D061325, MONDO:0003582. Disease mechanism: loss of function.
Hereditary cancer-predisposing syndrome. Also called: Tumor predisposition; Hereditary Cancer Syndrome; Hereditary neoplastic syndrome; Neoplastic Syndromes, Hereditary. Identifiers: Orphanet 140162, MedGen C0027672, MeSH D009386, MONDO:0015356.

gnomAD v4.1: 1 of 1,613,916 alleles (0.000062%); highest among the groups gnomAD compares: South Asian, 0.0011%; no homozygotes.

Submissions (2):

Labcorp Genetics (formerly Invitae), Labcorp
Classification: Uncertain significance for Hereditary breast ovarian cancer syndrome. Last evaluated: 2016-05-09. Review status: criteria provided, single submitter. Criteria: Invitae Variant Classification Sherloc (09022015). Collection method: clinical testing. Allele origin: germline.
Comment: This sequence change affects codon 2279 of the BRCA2 mRNA. It is a 'silent' change, meaning that it does not change the encoded amino acid sequence of the BRCA2 protein. This variant is not present in population databases (ExAC no frequency) and has not been reported in the literature in individuals with a BRCA2-related disease. Algorithms developed to predict the effect of sequence changes on mRNA splicing suggest that this variant may alter mRNA splicing, but this prediction has not been confirmed by published transcriptional studies. In summary, this is a novel intronic change with uncertain impact on splicing. It has been classified as a Variant of Uncertain Significance.

Ambry Genetics
Classification: Likely benign for Hereditary cancer-predisposing syndrome. Last evaluated: 2016-01-21. Review status: criteria provided, single submitter. Criteria: Ambry Variant Classification Scheme 2023. Collection method: clinical testing. Allele origin: germline.

NM_000059.4(BRCA2):c.6837A>G (p.Leu2279=)

Gene: BRCA2 (BRCA2 DNA repair associated; plus strand). Cytogenetic location: 13q13.1.
Variant type: single nucleotide variant.
Coding change: c.6837A>G on transcript NM_000059.4 (MANE Select); coding-DNA position 6837, A replaced by G.
Protein change: p.Leu2279=; no amino-acid change (leucine 2279 retained).
Molecular consequence: synonymous variant.
Genome position (GRCh38, 1-based): chr13:32,341,192, A>G. VCF-style: chr13-32341192-A-G. GRCh37 (hg19) VCF-style: chr13-32915329-A-G.
Identifiers: ClinVar variation 409556 (VCV000409556.5), dbSNP rs431825346, ClinGen allele CA16614341.